The following is an entry in ClinVar:

ClinVar aggregate classification (germline): Uncertain significance. Review status: criteria provided, multiple submitters, no conflicts (2 of 4 stars). 4 submissions from 4 submitters: Uncertain significance (4). Last evaluated 2025-11-25.

Conditions:
Hereditary cancer-predisposing syndrome. Also called: Neoplastic Syndromes, Hereditary; Tumor predisposition; Hereditary Cancer Syndrome; Hereditary neoplastic syndrome. Identifiers: Orphanet 140162, MedGen C0027672, MeSH D009386, MONDO:0015356.

Allele frequency attached by ClinVar (database versions not stated): gnomAD 0.00002 and 0.00003; gnomAD exomes 0.00002; ExAC 0.00003; TOPMed 0.00003; ESP Exome Variant Server 0.00008; 1000 Genomes Project 30x 0.00031; 1000 Genomes Project 0.00040.

Submissions (4):

Labcorp Genetics (formerly Invitae), Labcorp
Classification: Uncertain significance. Last evaluated: 2025-11-25. Review status: criteria provided, single submitter. Criteria: Invitae Variant Classification Sherloc (09022015). Collection method: clinical testing. Allele origin: germline.
Comment: This sequence change replaces arginine, which is basic and polar, with histidine, which is basic and polar, at codon 296 of the NTHL1 protein (p.Arg296His). This variant is present in population databases (rs148253565, gnomAD 0.007%). This variant has not been reported in the literature in individuals affected with NTHL1-related conditions. ClinVar contains an entry for this variant (Variation ID: 651647). An algorithm developed to predict the effect of missense changes on protein structure and function (PolyPhen-2) suggests that this variant is likely to be tolerated. In summary, the available evidence is currently insufficient to determine the role of this variant in disease. Therefore, it has been classified as a Variant of Uncertain Significance.

Quest Diagnostics Nichols Institute San Juan Capistrano
Classification: Uncertain significance. Last evaluated: 2024-12-06. Review status: criteria provided, single submitter. Criteria: Quest Diagnostics criteria. Collection method: clinical testing. Allele origin: unknown.
Comment: The NTHL1 c.887G>A (p.Arg296His) variant has not been reported in individuals with NTHL1-related conditions in the published literature. The frequency of this variant in the general population (Genome Aggregation Database) is uninformative in the assessment of its pathogenicity. Analysis of this variant using bioinformatics tools for the prediction of the effect of amino acid changes on protein structure and function yielded predictions that this variant is benign. Based on the available information, we are unable to determine the clinical significance of this variant.

Ambry Genetics
Classification: Uncertain significance for Hereditary cancer-predisposing syndrome. Last evaluated: 2024-09-04. Review status: criteria provided, single submitter. Criteria: Ambry Variant Classification Scheme 2023. Collection method: clinical testing. Allele origin: germline.
Comment: The p.R296H variant (also known as c.887G>A), located in coding exon 6 of the NTHL1 gene, results from a G to A substitution at nucleotide position 887. The arginine at codon 296 is replaced by histidine, an amino acid with highly similar properties. This amino acid position is not well conserved in available vertebrate species. In addition, the in silico prediction for this alteration is inconclusive. Since supporting evidence is limited at this time, the clinical significance of this alteration remains unclear.

GeneDx
Classification: Uncertain significance. Last evaluated: 2021-10-18. Review status: criteria provided, single submitter. Criteria: GeneDx Variant Classification Process June 2021. Collection method: clinical testing. Allele origin: germline. Affected: yes.
Comment: Not observed at significant frequency in large population cohorts (Lek et al., 2016); In silico analysis supports that this missense variant does not alter protein structure/function; Has not been previously published as pathogenic or benign to our knowledge

NM_002528.7(NTHL1):c.863G>A (p.Arg288His)

Gene: NTHL1 (nth like DNA glycosylase 1; minus strand). Cytogenetic location: 16p13.3.
Variant type: single nucleotide variant.
Coding change: c.863G>A on transcript NM_002528.7 (MANE Select); coding-DNA position 863, G replaced by A.
Protein change: p.Arg288His; replaces arginine 288 with histidine.
Molecular consequence: missense variant.
Genome position (GRCh38, 1-based): chr16:2,039,976, C>T on the plus strand (G>A on the coding strand, the complement: NTHL1 is on the minus strand). VCF-style: chr16-2039976-C-T. GRCh37 (hg19) VCF-style: chr16-2089977-C-T.
Other names: c.863G>A, p.Arg288His (LRG_1366t1); c.692G>A, p.Arg231His (NM_001318193.2); c.533G>A, p.Arg178His (NM_001318194.2); short protein forms R178H, R231H, R288H.
Identifiers: ClinVar variation 651647 (VCV000651647.15), dbSNP rs148253565, ClinGen allele CA7828076.
Genomic context (GRCh38, chr16:2,039,976, plus strand): 5'-TGCGGCCATCAGAGACCCTGGGCGGCCGGGCAGAGGGCTTGGTTGAGGCAGGCGTGGCAG[C>T]GAGGGTGCACAGGCAGACAGGTCTGCTGGCCGAAGCCCACCAAGAGTCCATTGATCTCGT-3'
Protein context (NP_002519.2, residues 278-298): GQQTCLPVHP[Arg288His]CHACLNQALC